The following is an entry in ClinVar:

NM_032608.7(MYO18B):c.527C>T (p.Pro176Leu)

Gene: MYO18B (myosin XVIIIB; plus strand). Cytogenetic location: 22q12.1.
Variant type: single nucleotide variant.
Coding change: c.527C>T on transcript NM_032608.7 (MANE Select); coding-DNA position 527, C replaced by T.
Protein change: p.Pro176Leu; replaces proline 176 with leucine.
Molecular consequence: missense variant.
Genome position (GRCh38, 1-based): chr22:25,768,443, C>T. VCF-style: chr22-25768443-C-T. GRCh37 (hg19) VCF-style: chr22-26164410-C-T.
Other names: c.527C>T, p.Pro176Leu (NM_001318245.2); c.527C>T (NM_032608.5); short protein forms P176L.
Identifiers: ClinVar variation 1373316 (VCV001373316.4), dbSNP rs1485992548, ClinGen allele CA411002065.

ClinVar aggregate classification (germline): Uncertain significance. Review status: criteria provided, multiple submitters, no conflicts (2 of 4 stars). 2 submissions from 2 submitters: Uncertain significance (2). Last evaluated 2021-11-01.

Conditions:
Inborn genetic diseases. Identifiers: MedGen C0950123, MeSH D030342.

Allele frequency attached by ClinVar (database versions not stated): TOPMed 0.00001.

Submissions (2):

Labcorp Genetics (formerly Invitae), Labcorp
Classification: Uncertain significance. Last evaluated: 2021-11-01. Review status: criteria provided, single submitter. Criteria: Invitae Variant Classification Sherloc (09022015). Collection method: clinical testing. Allele origin: germline.
Comment: This sequence change replaces proline, which is neutral and non-polar, with leucine, which is neutral and non-polar, at codon 176 of the MYO18B protein (p.Pro176Leu). This variant is not present in population databases (gnomAD no frequency). This variant has not been reported in the literature in individuals affected with MYO18B-related conditions. Algorithms developed to predict the effect of missense changes on protein structure and function output the following: SIFT: "Not Available"; PolyPhen-2: "Benign"; Align-GVGD: "Not Available". The leucine amino acid residue is found in multiple mammalian species, which suggests that this missense change does not adversely affect protein function. In summary, the available evidence is currently insufficient to determine the role of this variant in disease. Therefore, it has been classified as a Variant of Uncertain Significance.

Ambry Genetics
Classification: Uncertain significance for Inborn genetic diseases. Last evaluated: 2021-09-16. Review status: criteria provided, single submitter. Criteria: Ambry Variant Classification Scheme 2023. Collection method: clinical testing. Allele origin: germline.